The following is an entry in ClinVar:

NM_004656.4(BAP1):c.931+6G>A

Gene: BAP1 (BRCA1 associated deubiquitinase 1; minus strand). Cytogenetic location: 3p21.1.
Variant type: single nucleotide variant.
Coding change: c.931+6G>A on transcript NM_004656.4 (MANE Select); 6 bases into the intron after coding-DNA position 931, G replaced by A.
Molecular consequence: intron variant.
Genome position (GRCh38, 1-based): chr3:52,405,759, C>T on the plus strand (G>A on the coding strand, the complement: BAP1 is on the minus strand). VCF-style: chr3-52405759-C-T. GRCh37 (hg19) VCF-style: chr3-52439775-C-T.
Identifiers: ClinVar variation 1387774 (VCV001387774.6), dbSNP rs182594226, ClinGen allele CA74742989.

ClinVar aggregate classification (germline): Uncertain significance (1 of 4 stars; one submission).

Conditions:
BAP1-related tumor predisposition syndrome (TPDS1). Also called: TUMOR PREDISPOSITION SYNDROME 1; Tumor susceptibility linked to germline BAP1 mutations; COMMON Syndrome; BAP1 tumor predisposition syndrome. Identifiers: Orphanet 289539, MedGen C3280492, MONDO:0013692, OMIM 614327.

Allele frequency attached by ClinVar (database versions not stated): 1000 Genomes Project 30x 0.00016; 1000 Genomes Project 0.00020.
gnomAD v4.1: 2 of 1,612,890 alleles (0.00012%); highest among the groups gnomAD compares: East Asian, 0.0022%; no homozygotes.

Submission:

Labcorp Genetics (formerly Invitae), Labcorp
Classification: Uncertain significance for BAP1-related tumor predisposition syndrome. Last evaluated: 2025-09-22. Review status: criteria provided, single submitter. Criteria: Invitae Variant Classification Sherloc (09022015). Collection method: clinical testing. Allele origin: germline.
Comment: This sequence change falls in intron 10 of the BAP1 gene. It does not directly change the encoded amino acid sequence of the BAP1 protein. It affects a nucleotide within the consensus splice site. This variant is not present in population databases (gnomAD no frequency). This variant has not been reported in the literature in individuals affected with BAP1-related conditions. ClinVar contains an entry for this variant (Variation ID: 1387774). Variants that disrupt the consensus splice site are a relatively common cause of aberrant splicing (PMID: 17576681, 9536098). Algorithms developed to predict the effect of sequence changes on RNA splicing suggest that this variant is not likely to affect RNA splicing. In summary, the available evidence is currently insufficient to determine the role of this variant in disease. Therefore, it has been classified as a Variant of Uncertain Significance.

Literature cited by the submitters: PubMed 17576681; PubMed 9536098.